The following is an entry in ClinVar:

ClinVar aggregate classification (germline): Uncertain significance (1 of 4 stars; one submission).

Allele frequency attached by ClinVar (database versions not stated): gnomAD exomes below 0.00001.
gnomAD v4.1: 2 of 1,614,244 alleles (0.00012%); highest among the groups gnomAD compares: Non-Finnish European, 0.00017%; no homozygotes.

Submission:

Labcorp Genetics (formerly Invitae), Labcorp
Classification: Uncertain significance. Last evaluated: 2025-10-10. Review status: criteria provided, single submitter. Criteria: Invitae Variant Classification Sherloc (09022015). Collection method: clinical testing. Allele origin: germline.
Comment: This sequence change replaces isoleucine, which is neutral and non-polar, with threonine, which is neutral and polar, at codon 1278 of the A2ML1 protein (p.Ile1278Thr). This variant is not present in population databases (gnomAD no frequency). This variant has not been reported in the literature in individuals affected with A2ML1-related conditions. ClinVar contains an entry for this variant (Variation ID: 2850796). An algorithm developed to predict the effect of missense changes on protein structure and function (PolyPhen-2) suggests that this variant is likely to be tolerated. In summary, the available evidence is currently insufficient to determine the role of this variant in disease. Therefore, it has been classified as a Variant of Uncertain Significance.

NM_144670.6(A2ML1):c.3833T>C (p.Ile1278Thr)

Gene: A2ML1 (alpha-2-macroglobulin like 1; plus strand). Cytogenetic location: 12p13.31.
Variant type: single nucleotide variant.
Coding change: c.3833T>C on transcript NM_144670.6 (MANE Select); coding-DNA position 3833, T replaced by C.
Protein change: p.Ile1278Thr; replaces isoleucine 1278 with threonine.
Molecular consequence: missense variant.
Genome position (GRCh38, 1-based): chr12:8,867,957, T>C. VCF-style: chr12-8867957-T-C. GRCh37 (hg19) VCF-style: chr12-9020553-T-C.
Other names: c.2360T>C, p.Ile787Thr (NM_001282424.3); short protein forms I1278T, I787T.
Identifiers: ClinVar variation 2850796 (VCV002850796.3), dbSNP rs2539307938, ClinGen allele CA383844117.